The following is an entry in ClinVar:

ClinVar aggregate classification (germline): Benign. Review status: criteria provided, multiple submitters, no conflicts (2 of 4 stars). 3 submissions from 3 submitters: Benign (3). Last evaluated 2026-02-02.

Conditions:
ABL1-related disorder. Also called: ABL1-related condition.

Allele frequency attached by ClinVar (database versions not stated): gnomAD exomes 0.00154 and 0.00375; ExAC 0.00454; 1000 Genomes Project 0.01258; 1000 Genomes Project 30x 0.01296; TOPMed 0.01718; ESP Exome Variant Server 0.01845.
gnomAD v4.1: 4,594 of 1,613,824 alleles (0.28%); highest among the groups gnomAD compares: African/African-American, 5.3%; 101 homozygotes.

Submissions (3):

Labcorp Genetics (formerly Invitae), Labcorp
Classification: Benign. Last evaluated: 2026-02-02. Review status: criteria provided, single submitter. Criteria: Invitae Variant Classification Sherloc (09022015). Collection method: clinical testing. Allele origin: germline.

PreventionGenetics, part of Exact Sciences
Classification: Benign for ABL1-related condition. Last evaluated: 2025-12-09. Review status: criteria provided, single submitter. Criteria: ACMG Guidelines, 2015. Collection method: clinical testing. Allele origin: germline.
Comment: This variant is classified as benign based on ACMG/AMP sequence variant interpretation guidelines (Richards et al. 2015 PMID: 25741868, with internal and published modifications).

Breakthrough Genomics
Classification: Benign. Review status: criteria provided, single submitter. Criteria: ACMG Guidelines, 2015. Collection method: not provided. Allele origin: germline. Inheritance: Autosomal dominant inheritance. Affected: yes.

NM_005157.6(ABL1):c.3000C>T (p.Thr1000=)

Gene: ABL1 (ABL proto-oncogene 1, non-receptor tyrosine kinase; plus strand). Cytogenetic location: 9q34.12.
Variant type: single nucleotide variant.
Coding change: c.3000C>T on transcript NM_005157.6 (MANE Select); coding-DNA position 3000, C replaced by T.
Protein change: p.Thr1000=; no amino-acid change (threonine 1000 retained).
Molecular consequence: synonymous variant.
Genome position (GRCh38, 1-based): chr9:130,885,290, C>T. VCF-style: chr9-130885290-C-T. GRCh37 (hg19) VCF-style: chr9-133760677-C-T.
Other names: c.3057C>T, p.Thr1019= (NM_007313.3).
Identifiers: ClinVar variation 776455 (VCV000776455.11), dbSNP rs1056169, ClinGen allele CA5285833.
Genomic context (GRCh38, chr9:130,885,290, plus strand): 5'-CGTTCCCTCCACGTTGCCATCAGCATCCTCGGCCCTGGCAGGGGACCAGCCGTCTTCCAC[C>T]GCCTTCATCCCTCTCATATCAACCCGAGTGTCTCTTCGGAAAACCCGCCAGCCTCCAGAG-3'
Protein context (NP_005148.2, residues 990-1010): SALAGDQPSS[Thr1000=]AFIPLISTRV